The following is an entry in ClinVar:

NM_014975.3(MAST1):c.1535A>G (p.Lys512Arg)

Gene: MAST1 (microtubule associated serine/threonine kinase 1; plus strand). Cytogenetic location: 19p13.13.
Variant type: single nucleotide variant.
Coding change: c.1535A>G on transcript NM_014975.3 (MANE Select); coding-DNA position 1535, A replaced by G.
Protein change: p.Lys512Arg; replaces lysine 512 with arginine.
Molecular consequence: missense variant.
Genome position (GRCh38, 1-based): chr19:12,865,075, A>G. VCF-style: chr19-12865075-A-G. GRCh37 (hg19) VCF-style: chr19-12975889-A-G.
Other names: short protein forms K512R.
Identifiers: ClinVar variation 2504714 (VCV002504714.2), dbSNP rs2512536655, ClinGen allele CA404271923.

ClinVar aggregate classification (germline): Uncertain significance (1 of 4 stars; one submission).

Submission:

GeneDx
Classification: Uncertain significance. Last evaluated: 2026-04-30. Review status: criteria provided, single submitter. Criteria: GeneDx Variant Classification Process June 2021. Collection method: clinical testing. Allele origin: germline.
Comment: Not observed at significant frequency in large population cohorts (gnomAD); In silico analysis supports that this missense variant has a deleterious effect on protein structure/function; In silico analysis supports a deleterious effect on splicing; Has not been previously published as pathogenic or benign to our knowledge